The following is an entry in ClinVar:

ClinVar aggregate classification (germline): Uncertain significance. Review status: criteria provided, multiple submitters, no conflicts (2 of 4 stars). 2 submissions from 2 submitters: Uncertain significance (2). Last evaluated 2023-12-20.

Conditions:
Diamond-Blackfan anemia. Also called: Blackfan Diamond syndrome; Aregenerative anemia chronic congenital; Red cell aplasia, pure hereditary; Congenital hypoplastic anemia; Aase syndrome. Identifiers: Orphanet 124, MedGen C1260899, MeSH D029503, MONDO:0015253, HP:0004810.
Diamond-Blackfan anemia 1 (DBA1). Also called: RPS19-Related Diamond-Blackfan Anemia; BLACKFAN-DIAMOND SYNDROME; ANEMIA, CONGENITAL HYPOPLASTIC, OF BLACKFAN AND DIAMOND; ANEMIA, CONGENITAL ERYTHROID HYPOPLASTIC; RED CELL APLASIA, PURE, HEREDITARY; AREGENERATIVE ANEMIA, CHRONIC CONGENITAL. Identifiers: Orphanet 124, MedGen C2676137, MONDO:0007110, OMIM 105650.

Allele frequency attached by ClinVar (database versions not stated): gnomAD 0.00001; gnomAD exomes 0.00001; TOPMed 0.00001.
gnomAD v4.1: 17 of 1,613,770 alleles (0.0011%); highest among the groups gnomAD compares: Non-Finnish European, 0.0014%; no homozygotes.

Submissions (2):

Revvity Omics, Revvity
Classification: Uncertain significance for Diamond-Blackfan anemia 1. Last evaluated: 2023-12-20. Review status: criteria provided, single submitter. Criteria: ACMG Guidelines, 2015. Collection method: clinical testing. Allele origin: germline.

Labcorp Genetics (formerly Invitae), Labcorp
Classification: Uncertain significance for Diamond-Blackfan anemia. Last evaluated: 2023-03-15. Review status: criteria provided, single submitter. Criteria: Invitae Variant Classification Sherloc (09022015). Collection method: clinical testing. Allele origin: germline.
Comment: In summary, the available evidence is currently insufficient to determine the role of this variant in disease. Therefore, it has been classified as a Variant of Uncertain Significance. Variants that disrupt the consensus splice site are a relatively common cause of aberrant splicing (PMID: 17576681, 9536098). Algorithms developed to predict the effect of sequence changes on RNA splicing suggest that this variant is not likely to affect RNA splicing. This variant has not been reported in the literature in individuals affected with RPS19-related conditions. This variant is not present in population databases (gnomAD no frequency). This sequence change falls in intron 5 of the RPS19 gene. It does not directly change the encoded amino acid sequence of the RPS19 protein. It affects a nucleotide within the consensus splice site.

Literature cited by the submitters: PubMed 17576681 (cited by Labcorp Genetics (formerly Invitae), Labcorp); PubMed 9536098 (cited by Labcorp Genetics (formerly Invitae), Labcorp).

NM_001022.4(RPS19):c.412-3C>T

Genes: RPS19 (ribosomal protein S19; plus strand), RPS19-CD79A (RPS19-CD79A readthrough; plus strand). Cytogenetic location: 19q13.2.
Variant type: single nucleotide variant.
Coding change: c.412-3C>T on transcript NM_001022.4 (MANE Select); 3 bases into the intron before coding-DNA position 412, C replaced by T.
Molecular consequence: intron variant.
Genome position (GRCh38, 1-based): chr19:41,871,348, C>T. VCF-style: chr19-41871348-C-T. GRCh37 (hg19) VCF-style: chr19-42375416-C-T.
Other names: c.412-3C>T (NM_001321484.2, NM_001321483.2); c.425-3C>T (NM_001321485.2).
Identifiers: ClinVar variation 2725422 (VCV002725422.4), dbSNP rs2074147707, ClinGen allele CA996010446.